The following is an entry in ClinVar:

ClinVar aggregate classification (germline): Likely benign (1 of 4 stars; one submission).

Allele frequency attached by ClinVar (database versions not stated): 1000 Genomes Project 0.00040; 1000 Genomes Project 30x 0.00047; TOPMed 0.00276; gnomAD 0.00338; ESP Exome Variant Server 0.00375.
gnomAD v4.1: 6,194 of 1,614,160 alleles (0.38%); highest among the groups gnomAD compares: Non-Finnish European, 0.45%; 23 homozygotes.

Submission:

CeGaT Center for Human Genetics Tuebingen
Classification: Likely benign. Last evaluated: 2023-03-01. Review status: criteria provided, single submitter. Criteria: CeGaT Center For Human Genetics Tuebingen Variant Classification Criteria Version 2. Collection method: clinical testing. Allele origin: germline. Affected: yes. Observed: 1 variant allele.
Comment: ATPSCKMT: BS2

NM_199133.4(ATPSCKMT):c.544C>T (p.Arg182Ter)

Gene: ATPSCKMT (ATP synthase c subunit lysine N-methyltransferase; minus strand). Cytogenetic location: 5p15.2.
Variant type: single nucleotide variant.
Coding change: c.544C>T on transcript NM_199133.4 (MANE Select); coding-DNA position 544, C replaced by T.
Protein change: p.Arg182Ter; replaces arginine 182 with a stop codon.
Molecular consequence: nonsense. On other transcripts: 3 prime UTR variant (1), non-coding transcript variant (3).
Genome position (GRCh38, 1-based): chr5:10,227,599, G>A on the plus strand (C>T on the coding strand, the complement: ATPSCKMT is on the minus strand). VCF-style: chr5-10227599-G-A. GRCh37 (hg19) VCF-style: chr5-10227711-G-A.
Other names: c.493C>T, p.Arg165Ter (NM_001258388.2); c.*23C>T (NM_001258389.2); short protein forms R165*, R182*.
Identifiers: ClinVar variation 2655295 (VCV002655295.24), dbSNP rs200658616, ClinGen allele CA3197546.
Genomic context (GRCh38, chr5:10,227,599, plus strand): 5'-CCTCCCCCGTGACGTGGTCTGGAGTCCAATGTGGGAAAGGGAACCGGCAAGCAATAACTC[G>A]TGCATCATCCTCAAGTTCACGTTCAAGTTTCTTCTCCAACTGCAGCATCTGTGGAGAGTA-3'